The following is an entry in ClinVar:

ClinVar aggregate classification (germline): Pathogenic (1 of 4 stars; one submission).

Conditions:
Epidermodysplasia verruciformis. Identifiers: Orphanet 302, MedGen C0014522, MONDO:0009176.

Submission:

Labcorp Genetics (formerly Invitae), Labcorp
Classification: Pathogenic for Epidermodysplasia verruciformis. Last evaluated: 2025-11-19. Review status: criteria provided, single submitter. Criteria: Invitae Variant Classification Sherloc (09022015). Collection method: clinical testing. Allele origin: germline.
Comment: This sequence change creates a premature translational stop signal (p.Ser422Profs*9) in the TMC8 gene. It is expected to result in an absent or disrupted protein product. Loss-of-function variants in TMC8 are known to be pathogenic (PMID: 12426567, 22158547). This variant is not present in population databases (gnomAD no frequency). This variant has not been reported in the literature in individuals affected with TMC8-related conditions. For these reasons, this variant has been classified as Pathogenic.

Literature cited by the submitters: PubMed 12426567; PubMed 22158547.

NM_152468.5(TMC8):c.1263del (p.Ser422fs)

Gene: TMC8 (transmembrane channel like 8; plus strand). Cytogenetic location: 17q25.3.
Variant type: Deletion.
Coding change: c.1263del on transcript NM_152468.5 (MANE Select); coding-DNA position 1263, one base deleted (C; older notation c.1263delC).
Protein change: p.Ser422fs; shifts the reading frame from serine 422.
Molecular consequence: frameshift variant.
Genome position (GRCh38, 1-based): chr17:78,137,728, C deleted. VCF-style (leftmost placement, unchanged base first): chr17-78137727-AC-A. GRCh37 (hg19) VCF-style: chr17-76133808-AC-A.
Other names: short protein forms S422fs.
Identifiers: ClinVar variation 4730718 (VCV004730718.1).